The following is an entry in ClinVar:

NM_006180.6(NTRK2):c.241A>G (p.Ile81Val)

Genes: NTRK2 (neurotrophic receptor tyrosine kinase 2; plus strand), LOC130001952 (ATAC-STARR-seq lymphoblastoid active region 28508; plus strand). Cytogenetic location: 9q21.33.
Variant type: single nucleotide variant.
Coding change: c.241A>G on transcript NM_006180.6 (MANE Select); coding-DNA position 241, A replaced by G.
Protein change: p.Ile81Val; replaces isoleucine 81 with valine.
Molecular consequence: missense variant. On other transcripts: 5 prime UTR variant (4).
Genome position (GRCh38, 1-based): chr9:84,702,187, A>G. VCF-style: chr9-84702187-A-G. GRCh37 (hg19) VCF-style: chr9-87317102-A-G.
Other names: c.241A>G, p.Ile81Val (NM_001007097.3, NM_001018064.3, NM_001018065.2 and 18 more transcripts); c.-228A>G (NM_001369535.1, NM_001369536.1, NM_001369550.1 and 1 more transcripts); c.241A>G (NM_006180.4); short protein forms I81V.
Identifiers: ClinVar variation 1470750 (VCV001470750.10), dbSNP rs775430298, ClinGen allele CA5105445.

ClinVar aggregate classification (germline): Uncertain significance. Review status: criteria provided, multiple submitters, no conflicts (2 of 4 stars). 2 submissions from 2 submitters: Uncertain significance (2). Last evaluated 2026-08-20.

Conditions:
NTRK2-related disorder. Also called: NTRK2-related condition.

Allele frequency attached by ClinVar (database versions not stated): ExAC 0.00001; TOPMed 0.00006.
gnomAD v4.1: 9 of 1,614,090 alleles (0.00056%); highest among the groups gnomAD compares: African/African-American, 0.012%; no homozygotes.

Submissions (2):

PreventionGenetics, part of Exact Sciences
Classification: Uncertain significance for NTRK2-related condition. Last evaluated: 2026-08-20. Review status: criteria provided, single submitter. Criteria: ACMG Guidelines, 2015. Collection method: clinical testing. Allele origin: germline.
Comment: The NTRK2 c.241A>G variant is predicted to result in the amino acid substitution p.Ile81Val. To our knowledge, this variant has not been reported in the literature. This variant is reported in 0.016% of alleles in individuals of African descent in gnomAD. Although we suspect that this variant may be benign, at this time, the clinical significance of this variant is uncertain due to the absence of conclusive functional and genetic evidence.

Labcorp Genetics (formerly Invitae), Labcorp
Classification: Uncertain significance. Last evaluated: 2022-11-08. Review status: criteria provided, single submitter. Criteria: Invitae Variant Classification Sherloc (09022015). Collection method: clinical testing. Allele origin: germline.
Comment: This sequence change replaces isoleucine, which is neutral and non-polar, with valine, which is neutral and non-polar, at codon 81 of the NTRK2 protein (p.Ile81Val). In summary, the available evidence is currently insufficient to determine the role of this variant in disease. Therefore, it has been classified as a Variant of Uncertain Significance. Advanced modeling of protein sequence and biophysical properties (such as structural, functional, and spatial information, amino acid conservation, physicochemical variation, residue mobility, and thermodynamic stability) performed at Invitae indicates that this missense variant is not expected to disrupt NTRK2 protein function. ClinVar contains an entry for this variant (Variation ID: 1470750). This variant has not been reported in the literature in individuals affected with NTRK2-related conditions. This variant is present in population databases (rs775430298, gnomAD 0.02%).